The following is an entry in ClinVar:

ClinVar aggregate classification (germline): Uncertain significance (1 of 4 stars; one submission).

Conditions:
Autosomal dominant hypocalcemia 1 (HYPOC1). Also called: HYPOCALCEMIA, FAMILIAL. Identifiers: MedGen C3715128, MONDO:0011013, OMIM 601198.
Familial hypocalciuric hypercalcemia (FHH). Also called: Familial benign hypercalcemia. Identifiers: Orphanet 405, MedGen C1809471, MONDO:0018458.

Submission:

Labcorp Genetics (formerly Invitae), Labcorp
Classification: Uncertain significance for Familial hypocalciuric hypercalcemia; Autosomal dominant hypocalcemia 1. Last evaluated: 2023-11-07. Review status: criteria provided, single submitter. Criteria: Invitae Variant Classification Sherloc (09022015). Collection method: clinical testing. Allele origin: germline.
Comment: This sequence change falls in intron 3 of the CASR gene. It does not directly change the encoded amino acid sequence of the CASR protein. It affects a nucleotide within the consensus splice site. This variant is not present in population databases (gnomAD no frequency). This variant has not been reported in the literature in individuals affected with CASR-related conditions. Variants that disrupt the consensus splice site are a relatively common cause of aberrant splicing (PMID: 17576681, 9536098). Algorithms developed to predict the effect of sequence changes on RNA splicing suggest that this variant is not likely to affect RNA splicing. In summary, the available evidence is currently insufficient to determine the role of this variant in disease. Therefore, it has been classified as a Variant of Uncertain Significance.

Literature cited by the submitters: PubMed 17576681; PubMed 9536098.

NM_000388.4(CASR):c.492+4C>T

Gene: CASR (calcium sensing receptor; plus strand). Cytogenetic location: 3q21.1.
Variant type: single nucleotide variant.
Coding change: c.492+4C>T on transcript NM_000388.4 (MANE Select); 4 bases into the intron after coding-DNA position 492, C replaced by T.
Molecular consequence: intron variant.
Genome position (GRCh38, 1-based): chr3:122,257,391, C>T. VCF-style: chr3-122257391-C-T. GRCh37 (hg19) VCF-style: chr3-121976238-C-T.
Other names: c.492+4C>T (NM_001178065.2).
Identifiers: ClinVar variation 2953086 (VCV002953086.3), dbSNP rs2473215440, ClinGen allele CA2740094562.
Genomic context (GRCh38, chr3:122,257,391, plus strand): 5'-GGCTCAGGCGTCTCCACGGCAGTGGCAAATCTGCTGGGGCTCTTCTACATTCCCCAGGTA[C>T]TCAAGCCTTCTCAGGCGGGGCACTGGGAGCAGGATCAGAAGAAGCAGGCTTGGGGGTGCC-3'